The following is an entry in ClinVar:

ClinVar aggregate classification (germline): Likely pathogenic (1 of 4 stars; one submission).

Conditions:
Autosomal dominant familial hematuria-retinal arteriolar tortuosity-contractures syndrome. Also called: Angiopathy, hereditary, with nephropathy, aneurysms, and muscle cramps; Hereditary Angiopathy with Nephropathy, Aneurysms, and Muscle Cramps (HANAC) Syndrome. Identifiers: Orphanet 73229, MedGen C2673195, MONDO:0012726, OMIM 611773.
Brain small vessel disease 1 with or without ocular anomalies (BSVD1). Also called: PORENCEPHALY, TYPE 1, AUTOSOMAL DOMINANT; Brain small vessel disease with or without ocular anomalies; BRAIN SMALL VESSEL DISEASE WITH HEMORRHAGE; GOULD SYNDROME 1. Identifiers: Orphanet 2940, Orphanet 36383, Orphanet 99810, MedGen C4755307, MONDO:0008289, OMIM 175780.
Microangiopathy and leukoencephalopathy, pontine, autosomal dominant. Also called: DEMENTIA, HEREDITARY MULTI-INFARCT, SWEDISH TYPE; Pontine autosomal dominant microangiopathy with leukoencephalopathy. Identifiers: Orphanet 477749, MedGen C5231411, MONDO:0032814, OMIM 618564.

Submission:

Molecular Genetics Department, Kulakov National Medical Research Center for Obstetrics, Gynecology and Perinatology
Classification: Likely pathogenic for Brain small vessel disease 1 with or without ocular anomalies; Autosomal dominant familial hematuria-retinal arteriolar tortuosity-contractures syndrome; Microangiopathy and leukoencephalopathy, pontine, autosomal dominant. Review status: criteria provided, single submitter. Criteria: ACMG Guidelines, 2015. Collection method: clinical testing. Allele origin: germline. Affected: yes. Observed: 1 variant allele.
Comment: A previously undescribed heterozygous nucleotide variant creates a frameshift p.Glu20AspfsTer25 in the COL4A1 gene. Heterozygous variants are reported in patients with COL4A1-Related Disorders (Angiopathy, hereditary, with nephropathy, aneurysms, and muscle cramps, 611773; Brain small vessel disease with or without ocular anomalies, 614519; Microangiopathy and leukoencephalopathy, pontine, autosomal dominant, 618564). The variant is not present in population database (gnomAD no frequency). In summary, the currently available evidence indicates that the variant is pathogenic, but additional data are needed to prove that conclusively. Therefore, this variant has been classified as likely pathogenic.

NM_001845.6(COL4A1):c.61del (p.Glu21fs)

Gene: COL4A1 (collagen type IV alpha 1 chain; minus strand). Cytogenetic location: 13q34.
Variant type: Deletion.
Coding change: c.61del on transcript NM_001845.6 (MANE Select); coding-DNA position 61, one base deleted (G; older notation c.61delG).
Protein change: p.Glu21fs; shifts the reading frame from glutamic acid 21.
Molecular consequence: frameshift variant.
Genome position (GRCh38, 1-based): chr13:110,306,967, C deleted on the plus strand (G on the coding strand, the reverse complement: COL4A1 is on the minus strand); the first of 2 consecutive C bases (chr13:110,306,967-110,306,968); deleting either gives the same sequence. VCF-style (leftmost placement, unchanged base first): chr13-110306966-TC-T. GRCh37 (hg19) VCF-style: chr13-110959313-TC-T.
Other names: c.61del, p.Glu21fs (NM_001303110.2); short protein forms E21fs.
Identifiers: ClinVar variation 4294421 (VCV004294421.1).